The following is an entry in ClinVar:

ClinVar aggregate classification (germline): Likely benign (1 of 4 stars; one submission).

Allele frequency attached by ClinVar (database versions not stated): 1000 Genomes Project 30x 0.00094; 1000 Genomes Project 0.00100; gnomAD 0.00250; TOPMed 0.00292; ESP Exome Variant Server 0.00364; ExAC 0.00418.
gnomAD v4.1: 5,629 of 1,601,318 alleles (0.35%); highest among the groups gnomAD compares: Middle Eastern, 0.83%; 16 homozygotes.

Submission:

CeGaT Center for Human Genetics Tuebingen
Classification: Likely benign. Last evaluated: 2023-02-01. Review status: criteria provided, single submitter. Criteria: CeGaT Center For Human Genetics Tuebingen Variant Classification Criteria Version 2. Collection method: clinical testing. Allele origin: germline. Affected: yes. Observed: 1 variant allele.
Comment: NHERF2: BP4, BS2

NM_001130012.3(NHERF2):c.559C>T (p.Arg187Cys)

Gene: NHERF2 (NHERF family PDZ scaffold protein 2; plus strand). Cytogenetic location: 16p13.3.
Variant type: single nucleotide variant.
Coding change: c.559C>T on transcript NM_001130012.3 (MANE Select); coding-DNA position 559, C replaced by T.
Protein change: p.Arg187Cys; replaces arginine 187 with cysteine.
Molecular consequence: missense variant.
Genome position (GRCh38, 1-based): chr16:2,036,468, C>T. VCF-style: chr16-2036468-C-T. GRCh37 (hg19) VCF-style: chr16-2086469-C-T.
Other names: c.226C>T, p.Arg76Cys (NM_001252073.2, NM_001252076.2); c.220C>T, p.Arg74Cys (NM_001252075.2); c.559C>T, p.Arg187Cys (NM_004785.6); short protein forms R187C, R74C, R76C.
Identifiers: ClinVar variation 2645965 (VCV002645965.24), dbSNP rs62038800, ClinGen allele CA7827754.
Genomic context (GRCh38, chr16:2,036,468, plus strand): 5'-AGTGACAAGTCCCGGCCCGGCCAGTACATCCGCTCTGTGGACCCGGGCTCACCTGCCGCC[C>T]GCTCTGGCCTCCGCGCCCAGGACCGGCTCATTGAGGTACCGGCCCACCAGGGCTGCGGGG-3'
Protein context (NP_001123484.1, residues 177-197): RSVDPGSPAA[Arg187Cys]SGLRAQDRLI